The following is an entry in ClinVar:

ClinVar aggregate classification (germline): Pathogenic/Likely pathogenic. Review status: criteria provided, multiple submitters, no conflicts (2 of 4 stars). 2 submissions from 2 submitters: Pathogenic (1); Likely pathogenic (1). Last evaluated 2024-11-15.

Conditions:
Autosomal recessive nonsyndromic hearing loss 77. Identifiers: Orphanet 90636, MedGen C2746083, MONDO:0013119, OMIM 613079.

Submissions (2):

Natera, Inc.
Classification: Likely pathogenic for Autosomal recessive deafness type 77. Last evaluated: 2024-11-15. Review status: criteria provided, single submitter. Criteria: Natera Variant Classification Schema (03/2026). Collection method: clinical testing. Allele origin: germline.
Comment: The c.423_427delCTGCA variant in LOXHD1 is a frameshift variant predicted to shift the reading frame beginning at codon 141 and leads to a stop codon 10 codons downstream. This variant is expected to result in nonsense mediated decay, truncation, or a dysfunctional protein product. This variant is rare in the general population with a frequency below the threshold expected for the associated phenotype(s). Given the available evidence, this variant is classified as Likely Pathogenic.

Labcorp Genetics (formerly Invitae), Labcorp
Classification: Pathogenic. Last evaluated: 2023-12-26. Review status: criteria provided, single submitter. Criteria: Invitae Variant Classification Sherloc (09022015). Collection method: clinical testing. Allele origin: germline.
Comment: This sequence change creates a premature translational stop signal (p.Asn141Lysfs*10) in the LOXHD1 gene. It is expected to result in an absent or disrupted protein product. Loss-of-function variants in LOXHD1 are known to be pathogenic (PMID: 19732867, 21465660, 25792669). This variant is present in population databases (no rsID available, gnomAD 0.003%). This variant has not been reported in the literature in individuals affected with LOXHD1-related conditions. ClinVar contains an entry for this variant (Variation ID: 1448451). For these reasons, this variant has been classified as Pathogenic.

Literature cited by the submitters: PubMed 19732867 (cited by Labcorp Genetics (formerly Invitae), Labcorp); PubMed 21465660 (cited by Labcorp Genetics (formerly Invitae), Labcorp); PubMed 25792669 (cited by Labcorp Genetics (formerly Invitae), Labcorp).

NM_001384474.1(LOXHD1):c.423_427del (p.Asn141fs)

Gene: LOXHD1 (lipoxygenase homology PLAT domains 1; minus strand). Cytogenetic location: 18q21.1.
Variant type: Deletion.
Coding change: c.423_427del on transcript NM_001384474.1 (MANE Select); coding-DNA positions 423 to 427, 5 bases deleted (CTGCA; older notation c.423_427delCTGCA).
Protein change: p.Asn141fs; shifts the reading frame from asparagine 141.
Molecular consequence: frameshift variant.
Genome position (GRCh38, 1-based): chr18:46,639,700-46,639,704, TGCAG deleted on the plus strand (CTGCA on the coding strand, the reverse complement: LOXHD1 is on the minus strand); deleting any 5 consecutive bases within chr18:46,639,700-46,639,705 gives the same sequence; the c. name uses the placement nearest the transcript's 3' end. VCF-style (leftmost placement, unchanged base first): chr18-46639699-TTGCAG-T. GRCh37 (hg19) VCF-style: chr18-44219662-TTGCAG-T.
Other names: c.423_427del, p.Asn141fs (NM_144612.7); c.423_427delCTGCA (NM_144612.6); short protein forms N141fs.
Identifiers: ClinVar variation 1448451 (VCV001448451.7), dbSNP rs1423265088, ClinGen allele CA629924591.